The following is an entry in ClinVar:

NM_001128840.3(CACNA1D):c.6217C>T (p.Arg2073Cys)

Gene: CACNA1D (calcium voltage-gated channel subunit alpha1 D; plus strand). Cytogenetic location: 3p21.1.
Variant type: single nucleotide variant.
Coding change: c.6217C>T on transcript NM_001128840.3 (MANE Select); coding-DNA position 6217, C replaced by T.
Protein change: p.Arg2073Cys; replaces arginine 2073 with cysteine.
Molecular consequence: missense variant.
Genome position (GRCh38, 1-based): chr3:53,811,137, C>T. VCF-style: chr3-53811137-C-T. GRCh37 (hg19) VCF-style: chr3-53845164-C-T.
Other names: c.6277C>T, p.Arg2093Cys (NM_000720.4); c.6145C>T, p.Arg2049Cys (NM_001128839.3); short protein forms R2049C, R2093C, R2073C.
Identifiers: ClinVar variation 1445557 (VCV001445557.10), dbSNP rs140215004, ClinGen allele CA2455406.

ClinVar aggregate classification (germline): Conflicting classifications of pathogenicity. Review status: criteria provided, conflicting classifications (1 of 4 stars). 5 submissions from 5 submitters: Uncertain significance (4); Likely benign (1). Last evaluated 2026-01-14.

Conditions:
Sinoatrial node dysfunction and deafness (SANDD). Identifiers: Orphanet 324321, MedGen C3554018, MONDO:0013960, OMIM 614896.
Aldosterone-producing adenoma with seizures and neurological abnormalities. Also called: Primary aldosteronism, seizures, and neurologic abnormalities. Identifiers: Orphanet 369929, MedGen C3809609, MONDO:0014200, OMIM 615474.

Allele frequency attached by ClinVar (database versions not stated): gnomAD 0.00004 and 0.00005; gnomAD exomes 0.00006 and 0.00003; ESP Exome Variant Server 0.00008; TOPMed 0.00008; 1000 Genomes Project 30x 0.00016; 1000 Genomes Project 0.00020; ExAC 0.00004.
gnomAD v4.1: 44 of 1,613,950 alleles (0.0027%); highest among the groups gnomAD compares: Middle Eastern, 0.016%; no homozygotes.

Submissions (5):

Labcorp Genetics (formerly Invitae), Labcorp
Classification: Likely benign. Last evaluated: 2026-01-14. Review status: criteria provided, single submitter. Criteria: Invitae Variant Classification Sherloc (09022015). Collection method: clinical testing. Allele origin: germline.

Women's Health and Genetics/Laboratory Corporation of America, LabCorp
Classification: Uncertain significance. Last evaluated: 2025-07-28. Review status: criteria provided, single submitter. Criteria: LabCorp Variant Classification Summary - May 2015. Collection method: clinical testing. Allele origin: germline.
Comment: Variant summary: CACNA1D c.6277C>T (p.Arg2093Cys) results in a non-conservative amino acid change in the encoded protein sequence. Algorithms developed to predict the effect of missense changes on protein structure and function are either unavailable or do not agree on the potential impact of this missense change. The variant allele was found at a frequency of 6e-05 in 251480 control chromosomes (gnomAD). This frequency is not significantly higher than estimated for a pathogenic variant in CACNA1D causing Sinoatrial Node Dysfunction And Deafness, allowing no conclusion about variant significance. To our knowledge, no occurrence of c.6277C>T in individuals affected with Sinoatrial Node Dysfunction And Deafness and no experimental evidence demonstrating its impact on protein function have been reported. ClinVar contains an entry for this variant (Variation ID: 1445557). Based on the evidence outlined above, the variant was classified as uncertain significance.

Fulgent Genetics
Classification: Uncertain significance for Sinoatrial node dysfunction and deafness; Aldosterone-producing adenoma with seizures and neurological abnormalities. Last evaluated: 2024-05-21. Review status: criteria provided, single submitter. Criteria: ACMG Guidelines, 2015. Collection method: clinical testing. Allele origin: germline.

Blueprint Genetics
Classification: Uncertain significance. Last evaluated: 2024-03-15. Review status: criteria provided, single submitter. Criteria: ACMG Guidelines, 2015. Collection method: clinical testing. Allele origin: germline.

GeneDx
Classification: Uncertain significance. Last evaluated: 2022-05-24. Review status: criteria provided, single submitter. Criteria: GeneDx Variant Classification Process June 2021. Collection method: clinical testing. Allele origin: germline. Affected: yes.
Comment: In silico analysis supports that this missense variant has a deleterious effect on protein structure/function; Has not been previously published as pathogenic or benign to our knowledge